The following is an entry in ClinVar:

NM_022489.4(INF2):c.2254C>T (p.Arg752Cys)

Gene: INF2 (inverted formin 2; plus strand). Cytogenetic location: 14q32.33.
Variant type: single nucleotide variant.
Coding change: c.2254C>T on transcript NM_022489.4 (MANE Select); coding-DNA position 2254, C replaced by T.
Protein change: p.Arg752Cys; replaces arginine 752 with cysteine.
Molecular consequence: missense variant.
Genome position (GRCh38, 1-based): chr14:104,710,951, C>T. VCF-style: chr14-104710951-C-T. GRCh37 (hg19) VCF-style: chr14-105177288-C-T.
Other names: c.2254C>T, p.Arg752Cys (NM_001031714.4); short protein forms R752C.
Identifiers: ClinVar variation 1386847 (VCV001386847.10), dbSNP rs749405096, ClinGen allele CA267327835.

ClinVar aggregate classification (germline): Conflicting classifications of pathogenicity. Review status: criteria provided, conflicting classifications (1 of 4 stars). 3 submissions from 3 submitters: Uncertain significance (1); Benign (1); Likely benign (1). Last evaluated 2024-12-16.

Conditions:
Focal segmental glomerulosclerosis 5 (FSGS5). Identifiers: Orphanet 656, MedGen C2750475, MONDO:0013191, OMIM 613237.
Charcot-Marie-Tooth disease dominant intermediate E. Also called: CHARCOT-MARIE-TOOTH NEUROPATHY WITH FOCAL SEGMENTAL GLOMERULONEPHRITIS. Identifiers: Orphanet 93114, MedGen C4302667, MONDO:0013758, OMIM 614455.

Allele frequency attached by ClinVar (database versions not stated): gnomAD exomes below 0.00001 and 0.00001; gnomAD 0.00005 and 0.00006; TOPMed 0.00005.
gnomAD v4.1: 21 of 1,612,310 alleles (0.0013%); highest among the groups gnomAD compares: African/African-American, 0.0093%; no homozygotes.

Submissions (3):

Women's Health and Genetics/Laboratory Corporation of America, LabCorp
Classification: Likely benign. Last evaluated: 2024-12-16. Review status: criteria provided, single submitter. Criteria: LabCorp Variant Classification Summary - May 2015. Collection method: clinical testing. Allele origin: germline.
Comment: Variant summary: INF2 c.2254C>T (p.Arg752Cys) results in a non-conservative amino acid change located in the formin homology 2 domain (IPR015425) of the encoded protein sequence. Three of five in-silico tools predict a damaging effect of the variant on protein function. The variant allele was found at a frequency of 9.6e-06 in 1460118 control chromosomes. The observed variant frequency is approximately 15-fold of the estimated maximal expected allele frequency for a pathogenic variant in INF2 causing Charcot-Marie-Tooth disease dominant intermediate E phenotype (6.3e-07). To our knowledge, no occurrence of c.2254C>T in individuals affected with Charcot-Marie-Tooth disease dominant intermediate E and no experimental evidence demonstrating its impact on protein function have been reported. ClinVar contains an entry for this variant (Variation ID: 1386847). Based on the evidence outlined above, the variant was classified as likely benign.

Fulgent Genetics
Classification: Uncertain significance for Focal segmental glomerulosclerosis 5; Charcot-Marie-Tooth disease dominant intermediate E. Last evaluated: 2024-04-18. Review status: criteria provided, single submitter. Criteria: ACMG Guidelines, 2015. Collection method: clinical testing. Allele origin: germline.

Labcorp Genetics (formerly Invitae), Labcorp
Classification: Benign for Charcot-Marie-Tooth disease dominant intermediate E; Focal segmental glomerulosclerosis 5. Last evaluated: 2024-01-16. Review status: criteria provided, single submitter. Criteria: Invitae Variant Classification Sherloc (09022015). Collection method: clinical testing. Allele origin: germline.